The following is an entry in ClinVar:

NM_152419.3(HGSNAT):c.118+67_118+90del

Genes: HGSNAT (heparan-alpha-glucosaminide N-acetyltransferase; plus strand), LOC130000316 (ATAC-STARR-seq lymphoblastoid silent region 19164; plus strand). Cytogenetic location: 8p11.21.
Variant type: Deletion.
Coding change: c.118+67_118+90del on transcript NM_152419.3 (MANE Select); bases 67 to 90 of the intron after coding-DNA position 118, 24 bases deleted (CCCCTATCTCCGTGCGCGGCGCCG).
Molecular consequence: intron variant.
Genome position (GRCh38, 1-based): chr8:43,140,681-43,140,704, CCCCTATCTCCGTGCGCGGCGCCG deleted; deleting any 24 consecutive bases within chr8:43,140,671-43,140,704 gives the same sequence; the c. name uses the placement nearest the transcript's 3' end. VCF-style (leftmost placement, unchanged base first): chr8-43140670-CCGCGGCGCCGCCCCTATCTCCGTG-C. GRCh37 (hg19) VCF-style: chr8-42995813-CCGCGGCGCCGCCCCTATCTCCGTG-C.
Other names: c.118+67_118+90del (NM_001363227.2, NM_001363228.2); c.-716+67_-716+90del (NM_001363229.2).
Identifiers: ClinVar variation 928551 (VCV000928551.1), dbSNP rs972393144, ClinGen allele CA176096134.

ClinVar aggregate classification (germline): Uncertain significance (1 of 4 stars; one submission).

Submission:

Women's Health and Genetics/Laboratory Corporation of America, LabCorp
Classification: Uncertain significance. Last evaluated: 2019-02-20. Review status: criteria provided, single submitter. Criteria: LabCorp Variant Classification Summary - May 2015. Collection method: clinical testing. Allele origin: germline.
Comment: Variant summary: HGSNAT c.118+67_118+90del24 is located at a position not widely known to affect splicing. 5/5 computational tools predict no significant impact on normal splicing. However, these predictions have yet to be confirmed by functional studies. The variant allele was found at a frequency of 6.6e-05 in 30272 control chromosomes (gnomAD, genome dataset). The available data on variant occurrences in the general population are insufficient to allow any conclusion about variant significance. To our knowledge, no occurrence of c.118+67_118+90del24 in individuals affected with Mucopolysaccharidosis Type IIIC (Sanfilippo Syndrome C) and no experimental evidence demonstrating its impact on protein function have been reported. No clinical diagnostic laboratories have submitted clinical-significance assessments for this variant to ClinVar after 2014. Based on the evidence outlined above, the variant was classified as uncertain significance.